The following is an entry in ClinVar:

NM_001267550.2(TTN):c.9577C>T (p.Arg3193Ter)

Gene: TTN (titin; minus strand). Cytogenetic location: 2q31.2.
Variant type: single nucleotide variant.
Coding change: c.9577C>T on transcript NM_001267550.2 (MANE Select); coding-DNA position 9577, C replaced by T.
Protein change: p.Arg3193Ter; replaces arginine 3193 with a stop codon.
Molecular consequence: nonsense.
Genome position (GRCh38, 1-based): chr2:178,766,507, G>A on the plus strand (C>T on the coding strand, the complement: TTN is on the minus strand). VCF-style: chr2-178766507-G-A. GRCh37 (hg19) VCF-style: chr2-179631234-G-A.
Other names: c.9577C>T, p.Arg3193Ter (NM_001256850.1, NM_133378.4, NM_133379.5); c.9439C>T, p.Arg3147Ter (NM_003319.4, NM_133432.3, NM_133437.4); short protein forms R3193*, R3147*.
Identifiers: ClinVar variation 636337 (VCV000636337.20), dbSNP rs746115846, ClinGen allele CA2004287.

ClinVar aggregate classification (germline): Pathogenic/Likely pathogenic. Review status: criteria provided, multiple submitters, no conflicts (2 of 4 stars). 9 submissions from 9 submitters: Pathogenic (4); Likely pathogenic (5). Last evaluated 2025-10-28.

Conditions:
Dilated cardiomyopathy 1G (CMD1G). Identifiers: Orphanet 154, MedGen C1858763, MONDO:0011400, OMIM 604145.
Autosomal recessive limb-girdle muscular dystrophy type 2J (LGMDR10). Also called: MUSCULAR DYSTROPHY, LIMB-GIRDLE, AUTOSOMAL RECESSIVE 10; Limb-girdle muscular dystrophy, type 2J. Identifiers: Orphanet 140922, MedGen C1837342, MONDO:0012127, OMIM 608807.
Myopathy, myofibrillar, 9, with early respiratory failure (MFM9). Also called: Myopathy, distal, with early respiratory failure, autosomal dominant; Hereditary myopathy with early respiratory failure; EDSTROM MYOPATHY; MYOPATHY, PROXIMAL, WITH EARLY RESPIRATORY MUSCLE INVOLVEMENT. Identifiers: Orphanet 178464, Orphanet 34521, MedGen C1863599, MONDO:0011362, OMIM 603689.
Early-onset myopathy with fatal cardiomyopathy (CMYO5). Also called: CONGENITAL MYOPATHY 5 WITH CARDIOMYOPATHY; Salih Myopathy. Identifiers: Orphanet 289377, MedGen C2673677, MONDO:0012714, OMIM 611705. Disease mechanism: loss of function.
Hypertrophic cardiomyopathy 9. Also called: Familial hypertrophic cardiomyopathy 9. Identifiers: MedGen C1861065, MONDO:0013412, OMIM 613765.
Tibial muscular dystrophy (TMD). Also called: Tibial muscular dystrophy, tardive; Udd Distal Myopathy – Tibial Muscular Dystrophy; UDD MYOPATHY. Identifiers: Orphanet 609, MedGen C1838244, MONDO:0010870, OMIM 600334.
Cardiovascular phenotype. Identifiers: MedGen CN230736.
Cardiomyopathy (CMYO). Also called: Cardiomyopathies. Identifiers: Orphanet 167848, MedGen C0878544, MONDO:0004994, HP:0001638. Inheritance: Various modes of inheritance.
TTN-related disorder. Also called: TTN-related condition; TTN-related disease; TTN-related disorders.

Allele frequency attached by ClinVar (database versions not stated): TOPMed below 0.00001; ExAC 0.00001.
gnomAD v4.1: 5 of 1,613,950 alleles (0.00031%); highest among the groups gnomAD compares: South Asian, 0.0011%; no homozygotes.

Submissions (9):

Labcorp Genetics (formerly Invitae), Labcorp
Classification: Pathogenic for Dilated cardiomyopathy 1G; Autosomal recessive limb-girdle muscular dystrophy type 2J. Last evaluated: 2025-10-28. Review status: criteria provided, single submitter. Criteria: Invitae Variant Classification Sherloc (09022015). Collection method: clinical testing. Allele origin: germline.
Comment: This sequence change creates a premature translational stop signal (p.Arg3193*) in the TTN gene. While this is not anticipated to result in nonsense mediated decay, it is expected to create a truncated TTN protein. This variant is present in population databases (rs746115846, gnomAD 0.004%). This premature translational stop signal has been observed in individual(s) with TTN-related conditions and/or dilated cardiomyopathy (PMID: 25957634, 32778822; internal data). In at least one individual the data is consistent with being in trans (on the opposite chromosome) from a pathogenic variant. ClinVar contains an entry for this variant (Variation ID: 636337). This variant is located in the I band of TTN (PMID: 25589632). Truncating variants in this region have been reported in individuals affected with autosomal recessive centronuclear myopathy (PMID: 23975875, internal data). Truncating variants in this region have also been identified in individuals affected with autosomal dominant dilated cardiomyopathy and/or cardio-related conditions (PMID: 27869827, 32964742, internal data). For these reasons, this variant has been classified as Pathogenic.

Ambry Genetics
Classification: Likely pathogenic for Cardiovascular phenotype. Last evaluated: 2025-09-23. Review status: criteria provided, single submitter. Criteria: Ambry Variant Classification Scheme 2023. Collection method: clinical testing. Allele origin: germline.
Comment: The c.9439C>T (p.R3147*) alteration, located in exon 40 (coding exon 39) of the TTN gene, consists of a C to T substitution at nucleotide position 9439. This changes the amino acid from a arginine (R) to a stop codon at amino acid position 3147. This alteration is expected to result in loss of function by premature protein truncation or nonsense-mediated mRNA decay. This exon is located in the I-band region of the N2-B isoform of the titin protein and is constitutively expressed in TTN transcripts (PSI 100%). This variant was not reported in population-based cohorts in the Genome Aggregation Database (gnomAD). This variant was reported in individual(s) with features consistent with dilated cardiomyopathy (Ambry internal data). This variant has been identified in conjunction with other TTN variant(s) in individual(s) with features consistent with autosomal recessive skeletal myopathy phenotypes (Fattori, 2015; Savarese, 2020). Based on the available evidence, this alteration is classified as likely pathogenic.

PreventionGenetics, part of Exact Sciences
Classification: Pathogenic for TTN-related condition. Last evaluated: 2025-08-13. Review status: criteria provided, single submitter. Criteria: ACMG Guidelines, 2015. Collection method: clinical testing. Allele origin: germline.
Comment: The TTN c.9577C>T variant is predicted to result in premature protein termination (p.Arg3193*). This variant has been reported in the compound heterozygous state in two individuals with recessive titinopathies (Fattori et al. 2015. PubMed ID: 25957634; Baban et al. 2023. PubMed ID: 37576110; Savarese et al. 2020. PubMed ID: 32778822). This variant is located in the TTN protein I-band region. RNAseq studies from heart tissue indicate this exon is commonly included in TTN mRNA transcripts (PSI 100%, Roberts et al. 2015. PubMed ID: 25589632). TTN loss-of-function variants occurring in constitutively expressed exons (PSI >90%) are more likely to be disease causing for TTN cardiac-related disorders regardless of band location (Roberts et al. 2015. PubMed ID: 25589632; Schafer et al. 2017 PubMed ID: 27869827; Akhtar et al. 2020. PubMed ID: 32964742). Many cases of recessive TTN-related myopathies in which the individual is compound heterozygous for two loss-of-function variants in TTN have also been reported (Ge et al. 2019. PubMed ID: 31053406; Oates et al. 2018. PubMed ID: 29691892; Rees et al. 2021. PubMed ID: 33449170). In summary, this variant is categorized as pathogenic. Of note, this variant is considered pathogenic for increased risk of TTN-related cardiac disorders, and also for autosomal recessive TTN-related congenital titinopathies.

GeneDx
Classification: Likely pathogenic. Last evaluated: 2024-10-01. Review status: criteria provided, single submitter. Criteria: GeneDx Variant Classification Process June 2021. Collection method: clinical testing. Allele origin: germline. Affected: yes.
Comment: Not observed at significant frequency in large population cohorts (gnomAD); This variant is associated with the following publications: (PMID: 32039858, 27625338, 27869827, 32778822, 25957634, 35177841)

Revvity Omics, Revvity
Classification: Pathogenic. Last evaluated: 2024-06-06. Review status: criteria provided, single submitter. Criteria: ACMG Guidelines, 2015. Collection method: clinical testing. Allele origin: germline.

Department of Pathology and Laboratory Medicine, Sinai Health System
Classification: Likely pathogenic for Tibial muscular dystrophy; Autosomal recessive limb-girdle muscular dystrophy type 2J; Dilated cardiomyopathy 1G; Early-onset myopathy with fatal cardiomyopathy; Myopathy, myofibrillar, 9, with early respiratory failure; Hypertrophic cardiomyopathy 9. Last evaluated: 2023-04-22. Review status: criteria provided, single submitter. Criteria: ACMG Guidelines, 2015. Collection method: research. Allele origin: germline.

CHEO Genetics Diagnostic Laboratory, Children's Hospital of Eastern Ontario
Classification: Likely pathogenic for Cardiomyopathy. Last evaluated: 2021-11-30. Review status: criteria provided, single submitter. Criteria: ACMG Guidelines, 2015. Collection method: clinical testing. Allele origin: germline.

Blueprint Genetics
Classification: Likely pathogenic. Last evaluated: 2017-01-23. Review status: criteria provided, single submitter. Criteria: Blueprint Genetics Variant Classification Scheme. Collection method: clinical testing. Allele origin: germline.

Laboratory of Medical Genetics Unit, Bambino Gesù Children's Hospital
Classification: Pathogenic for Early-onset myopathy with fatal cardiomyopathy. Review status: criteria provided, single submitter. Criteria: ACMG Guidelines, 2015. Collection method: clinical testing. Allele origin: maternal. Inheritance: Autosomal recessive inheritance. Affected: yes. Observed: 1 compound heterozygote.

Literature cited by the submitters: PubMed 25957634 (cited by Labcorp Genetics (formerly Invitae), Labcorp and Ambry Genetics); PubMed 32778822 (cited by Labcorp Genetics (formerly Invitae), Labcorp and Ambry Genetics); PubMed 25589632 (cited by Labcorp Genetics (formerly Invitae), Labcorp); PubMed 23975875 (cited by Labcorp Genetics (formerly Invitae), Labcorp); PubMed 27869827 (cited by Labcorp Genetics (formerly Invitae), Labcorp); PubMed 32964742 (cited by Labcorp Genetics (formerly Invitae), Labcorp).